The following is an entry in ClinVar:

NM_001271938.2(MEGF8):c.2136C>G (p.Pro712=)

Gene: MEGF8 (multiple EGF like domains 8; plus strand). Cytogenetic location: 19q13.2.
Variant type: single nucleotide variant.
Coding change: c.2136C>G on transcript NM_001271938.2 (MANE Select); coding-DNA position 2136, C replaced by G.
Protein change: p.Pro712=; no amino-acid change (proline 712 retained).
Molecular consequence: synonymous variant. On other transcripts: intron variant (1).
Genome position (GRCh38, 1-based): chr19:42,348,310, C>G. VCF-style: chr19-42348310-C-G. GRCh37 (hg19) VCF-style: chr19-42852462-C-G.
Other names: c.2098-1189C>G (NM_001410.3).
Identifiers: ClinVar variation 4822263 (VCV004822263.4).
Genomic context (GRCh38, chr19:42,348,310, plus strand): 5'-ACACCCATCCCTGGTGGCACAGGTCTCAATTGTCCGCAGCACGACCATCACCCTAACACC[C>G]AGCGCAGAGACAGATGTGTCCCTGGTCTACCGTGGCTTCATCTACCCAATGCTGCCTGGA-3'
Protein context (NP_001258867.1, residues 702-722): IVRSTTITLT[Pro712=]SAETDVSLVY

ClinVar aggregate classification (germline): Likely benign (1 of 4 stars; one submission).

Submission:

CeGaT Center for Human Genetics Tuebingen
Classification: Likely benign. Last evaluated: 2026-01-01. Review status: criteria provided, single submitter. Criteria: CeGaT Center For Human Genetics Tuebingen Variant Classification Criteria Version 2. Collection method: clinical testing. Allele origin: germline. Affected: yes. Observed: 1 variant allele.
Comment: MEGF8: PM2:Supporting, BP4, BP7